The following is an entry in ClinVar:

ClinVar aggregate classification (germline): Pathogenic (1 of 4 stars; one submission).

Submission:

Labcorp Genetics (formerly Invitae), Labcorp
Classification: Pathogenic. Last evaluated: 2024-09-15. Review status: criteria provided, single submitter. Criteria: Invitae Variant Classification Sherloc (09022015). Collection method: clinical testing. Allele origin: germline.
Comment: This sequence change creates a premature translational stop signal (p.Gly276Alafs*29) in the FZD4 gene. While this is not anticipated to result in nonsense mediated decay, it is expected to disrupt the last 262 amino acid(s) of the FZD4 protein. This variant is not present in population databases (gnomAD no frequency). This variant has not been reported in the literature in individuals affected with FZD4-related conditions. ClinVar contains an entry for this variant (Variation ID: 2015412). This variant disrupts a region of the FZD4 protein in which other variant(s) (p.Gln505*) have been determined to be pathogenic (PMID: 15223780, 23077402). This suggests that this is a clinically significant region of the protein, and that variants that disrupt it are likely to be disease-causing. For these reasons, this variant has been classified as Pathogenic.

Literature cited by the submitters: PubMed 15223780; PubMed 23077402.

NM_012193.4(FZD4):c.827del (p.Gly276fs)

Genes: FZD4 (frizzled class receptor 4; minus strand), PRSS23 (serine protease 23; plus strand). Cytogenetic location: 11q14.2.
Variant type: Deletion.
Coding change: c.827del on transcript NM_012193.4 (MANE Select); coding-DNA position 827, one base deleted (G; older notation c.827delG).
Protein change: p.Gly276fs; shifts the reading frame from glycine 276.
Molecular consequence: frameshift variant. On other transcripts: non-coding transcript variant (2).
Genome position (GRCh38, 1-based): chr11:86,951,929, C deleted on the plus strand (G on the coding strand, the reverse complement: FZD4 is on the minus strand); the first of 2 consecutive C bases (chr11:86,951,929-86,951,930); deleting either gives the same sequence. VCF-style (leftmost placement, unchanged base first): chr11-86951928-GC-G. GRCh37 (hg19) VCF-style: chr11-86662970-GC-G.
Other names: short protein forms G276fs.
Identifiers: ClinVar variation 2015412 (VCV002015412.4), dbSNP rs2495867469, ClinGen allele CA2580085013.